The following is an entry in ClinVar:

ClinVar aggregate classification (germline): Uncertain significance. Review status: criteria provided, multiple submitters, no conflicts (2 of 4 stars). 2 submissions from 2 submitters: Uncertain significance (2). Last evaluated 2024-12-30.

Conditions:
Dyskeratosis congenita, autosomal dominant 2. Identifiers: MedGen C3151443, MONDO:0013521, OMIM 613989.
Idiopathic Pulmonary Fibrosis. Also called: Idiopathic fibrosing alveolitis, chronic form; idiopathic fibrosing alveolitis. Identifiers: Orphanet 2032, MedGen C1800706, MeSH D054990, MONDO:0800504.
Dyskeratosis congenita. Identifiers: Orphanet 1775, MedGen C0265965, MONDO:0015780.

Allele frequency attached by ClinVar (database versions not stated): TOPMed below 0.00001.

Submissions (2):

Ambry Genetics
Classification: Uncertain significance for Dyskeratosis congenita. Last evaluated: 2024-12-30. Review status: criteria provided, single submitter. Criteria: Ambry Variant Classification Scheme 2023. Collection method: clinical testing. Allele origin: germline.
Comment: The p.T1083S variant (also known as c.3248C>G), located in coding exon 15 of the TERT gene, results from a C to G substitution at nucleotide position 3248. The threonine at codon 1083 is replaced by serine, an amino acid with similar properties. This amino acid position is conserved. In addition, this alteration is predicted to be tolerated by in silico analysis. Based on the available evidence, the clinical significance of this variant remains unclear.

Labcorp Genetics (formerly Invitae), Labcorp
Classification: Uncertain significance for Dyskeratosis congenita, autosomal dominant 2; Idiopathic Pulmonary Fibrosis. Last evaluated: 2021-05-18. Review status: criteria provided, single submitter. Criteria: Invitae Variant Classification Sherloc (09022015). Collection method: clinical testing. Allele origin: germline.
Comment: Advanced modeling of protein sequence and biophysical properties (such as structural, functional, and spatial information, amino acid conservation, physicochemical variation, residue mobility, and thermodynamic stability) performed at Invitae indicates that this missense variant is not expected to disrupt TERT protein function. This variant has not been reported in the literature in individuals with TERT-related conditions. This variant is not present in population databases (ExAC no frequency). This sequence change replaces threonine with serine at codon 1083 of the TERT protein (p.Thr1083Ser). The threonine residue is weakly conserved and there is a small physicochemical difference between threonine and serine. In summary, the available evidence is currently insufficient to determine the role of this variant in disease. Therefore, it has been classified as a Variant of Uncertain Significance.

NM_198253.3(TERT):c.3248C>G (p.Thr1083Ser)

Gene: TERT (telomerase reverse transcriptase; minus strand). Cytogenetic location: 5p15.33.
Variant type: single nucleotide variant.
Coding change: c.3248C>G on transcript NM_198253.3 (MANE Select); coding-DNA position 3248, C replaced by G.
Protein change: p.Thr1083Ser; replaces threonine 1083 with serine.
Molecular consequence: missense variant. On other transcripts: non-coding transcript variant (2).
Genome position (GRCh38, 1-based): chr5:1,254,415, G>C on the plus strand (C>G on the coding strand, the complement: TERT is on the minus strand). VCF-style: chr5-1254415-G-C. GRCh37 (hg19) VCF-style: chr5-1254530-G-C.
Other names: c.3059C>G, p.Thr1020Ser (NM_001193376.3); c.3248C>G (NM_198253.2); short protein forms T1083S, T1020S.
Identifiers: ClinVar variation 1428542 (VCV001428542.9), dbSNP rs997885750, ClinGen allele CA112923406.